The following is an entry in ClinVar:

ClinVar aggregate classification (germline): Uncertain significance (1 of 4 stars; one submission).

Conditions:
Type A2 brachydactyly (BDA2). Also called: MOHR-WRIEDT TYPE BRACHYDACTYLY; Brachymesophalangy type 2; BRACHYMESOPHALANGY II. Identifiers: Orphanet 93396, MedGen C1832702, MONDO:0007216, OMIM 112600, HP:0009372.
Acromesomelic dysplasia 3 (AMD3). Also called: Acromesomelic dysplasia, Demirhan type; CHONDRODYSPLASIA, ACROMESOMELIC, WITH OR WITHOUT GENITAL ANOMALIES. Identifiers: MedGen C4225404, MONDO:0012274, OMIM 609441.

Submission:

Labcorp Genetics (formerly Invitae), Labcorp
Classification: Uncertain significance for Type A2 brachydactyly; Acromesomelic dysplasia 3. Last evaluated: 2024-03-06. Review status: criteria provided, single submitter. Criteria: Invitae Variant Classification Sherloc (09022015). Collection method: clinical testing. Allele origin: germline.
Comment: This sequence change replaces valine, which is neutral and non-polar, with leucine, which is neutral and non-polar, at codon 140 of the BMPR1B protein (p.Val140Leu). This variant is not present in population databases (gnomAD no frequency). This variant has not been reported in the literature in individuals affected with BMPR1B-related conditions. Advanced modeling of protein sequence and biophysical properties (such as structural, functional, and spatial information, amino acid conservation, physicochemical variation, residue mobility, and thermodynamic stability) performed at Invitae indicates that this missense variant is not expected to disrupt BMPR1B protein function with a negative predictive value of 80%. In summary, the available evidence is currently insufficient to determine the role of this variant in disease. Therefore, it has been classified as a Variant of Uncertain Significance.

NM_001203.3(BMPR1B):c.418G>C (p.Val140Leu)

Gene: BMPR1B (bone morphogenetic protein receptor type 1B; plus strand). Cytogenetic location: 4q22.3.
Variant type: single nucleotide variant.
Coding change: c.418G>C on transcript NM_001203.3 (MANE Select); coding-DNA position 418, G replaced by C.
Protein change: p.Val140Leu; replaces valine 140 with leucine.
Molecular consequence: missense variant.
Genome position (GRCh38, 1-based): chr4:95,123,878, G>C. VCF-style: chr4-95123878-G-C. GRCh37 (hg19) VCF-style: chr4-96045029-G-C.
Other names: c.418G>C, p.Val140Leu (NM_001256792.2, NM_001256794.1); c.508G>C, p.Val170Leu (NM_001256793.2); short protein forms V140L, V170L.
Identifiers: ClinVar variation 3749425 (VCV003749425.2).